The following is an entry in ClinVar:

NM_024334.3(TMEM43):c.682A>T (p.Ser228Cys)

Gene: TMEM43 (transmembrane protein 43; plus strand). Cytogenetic location: 3p25.1.
Variant type: single nucleotide variant.
Coding change: c.682A>T on transcript NM_024334.3 (MANE Select); coding-DNA position 682, A replaced by T.
Protein change: p.Ser228Cys; replaces serine 228 with cysteine.
Molecular consequence: missense variant.
Genome position (GRCh38, 1-based): chr3:14,134,868, A>T. VCF-style: chr3-14134868-A-T. GRCh37 (hg19) VCF-style: chr3-14176368-A-T.
Other names: short protein forms S228C.
Identifiers: ClinVar variation 629784 (VCV000629784.4), dbSNP rs776147178, ClinGen allele CA351535633.

ClinVar aggregate classification (germline): Uncertain significance (1 of 4 stars; one submission).

Conditions:
Cardiomyopathy (CMYO). Also called: Cardiomyopathies. Identifiers: Orphanet 167848, MedGen C0878544, MONDO:0004994, HP:0001638. Inheritance: Various modes of inheritance.

Allele frequency attached by ClinVar (database versions not stated): gnomAD exomes below 0.00001.
gnomAD v4.1: 1 of 1,614,178 alleles (0.000062%); highest among the groups gnomAD compares: South Asian, 0.0011%; no homozygotes.

Submission:

Color Diagnostics, LLC DBA Color Health
Classification: Uncertain significance for Cardiomyopathy. Last evaluated: 2023-12-04. Review status: criteria provided, single submitter. Criteria: ACMG Guidelines, 2015. Collection method: clinical testing. Allele origin: germline.
Comment: Variant of Uncertain Significance due to insufficient evidence: This missense variant is located in the cytoplasmic domain of the TMEM43 protein. Computational prediction tools and conservation analyses are inconclusive regarding the impact of this variant on the protein function. Computational splicing tools suggest that this variant may not impact RNA splicing. To our knowledge, functional assays have not been performed for this variant nor has this variant been reported in individuals affected with cardiovascular disorders in the literature. This variant is rare in the general population and has been identified in 0/277264 chromosomes by the Genome Aggregation Database (gnomAD). Available evidence is insufficient to determine the pathogenicity of this variant conclusively.